The following is an entry in ClinVar:

ClinVar aggregate classification (germline): Conflicting classifications of pathogenicity. Review status: criteria provided, conflicting classifications (1 of 4 stars). 6 submissions from 4 submitters: Uncertain significance (2); Benign (2); Likely benign (2). Last evaluated 2026-02-01.

Conditions:
Pyropoikilocytosis, hereditary. Also called: Pyropoikilocytosis. Identifiers: MedGen C0520739, MONDO:0009948, OMIM 266140, HP:0004839. Disease mechanism: loss of function.
Hereditary spherocytosis type 3. Also called: Spherocytosis type 3; SPTA1-Related Spherocytosis. Identifiers: Orphanet 822, MedGen C2678338, MONDO:0010053, OMIM 270970.
Elliptocytosis 2 (EL2). Also called: ELLIPTOCYTOSIS, RHESUS-UNLINKED TYPE. Identifiers: Orphanet 288, MedGen C1851741, MONDO:0007533, OMIM 130600.

Allele frequency attached by ClinVar (database versions not stated): gnomAD 0.00420; ESP Exome Variant Server 0.00478; 1000 Genomes Project 30x 0.00500; TOPMed 0.00501; 1000 Genomes Project 0.00519.
gnomAD v4.1: 1,495 of 1,613,378 alleles (0.093%); highest among the groups gnomAD compares: African/African-American, 1.5%; 14 homozygotes.

Submissions (6):

Labcorp Genetics (formerly Invitae), Labcorp
Classification: Benign. Last evaluated: 2026-02-01. Review status: criteria provided, single submitter. Criteria: Invitae Variant Classification Sherloc (09022015). Collection method: clinical testing. Allele origin: germline.

ARUP Laboratories, Molecular Genetics and Genomics, ARUP Laboratories
Classification: Benign. Last evaluated: 2025-05-02. Review status: criteria provided, single submitter. Criteria: ARUP Molecular Germline Variant Investigation Process 2024. Collection method: clinical testing. Allele origin: germline.

Mayo Clinic Laboratories, Mayo Clinic
Classification: Likely benign. Last evaluated: 2025-02-18. Review status: criteria provided, single submitter. Criteria: ACMG Guidelines, 2015. Collection method: clinical testing. Allele origin: germline. Observed: 16 variant alleles.

Illumina Laboratory Services, Illumina
Classification: Likely benign for Elliptocytosis 2. Last evaluated: 2018-01-12. Review status: criteria provided, single submitter. Criteria: ICSL Variant Classification Criteria 13 December 2019. Collection method: clinical testing. Allele origin: germline.
Comment: This variant was observed in the ICSL laboratory as part of a predisposition screen in an ostensibly healthy population. It had not been previously curated by ICSL or reported in the Human Gene Mutation Database (HGMD: prior to June 1st, 2018), and was therefore a candidate for classification through an automated scoring system. Utilizing variant allele frequency, disease prevalence and penetrance estimates, and inheritance mode, an automated score was calculated to assess if this variant is too frequent to cause the disease. Based on the score and internal cut-off values, a variant classified as likely benign is not then subjected to further curation. The score for this variant resulted in a classification of likely benign for this disease.

Illumina Laboratory Services, Illumina
Classification: Uncertain significance for Hereditary spherocytosis type 3. Last evaluated: 2018-01-12. Review status: criteria provided, single submitter. Criteria: ICSL Variant Classification Criteria 13 December 2019. Collection method: clinical testing. Allele origin: germline.

Illumina Laboratory Services, Illumina
Classification: Uncertain significance for Pyropoikilocytosis, hereditary. Last evaluated: 2018-01-12. Review status: criteria provided, single submitter. Criteria: ICSL Variant Classification Criteria 13 December 2019. Collection method: clinical testing. Allele origin: germline.

NM_003126.4(SPTA1):c.3398G>C (p.Arg1133Pro)

Gene: SPTA1 (spectrin alpha, erythrocytic 1; minus strand). Cytogenetic location: 1q23.1.
Variant type: single nucleotide variant.
Coding change: c.3398G>C on transcript NM_003126.4 (MANE Select); coding-DNA position 3398, G replaced by C.
Protein change: p.Arg1133Pro; replaces arginine 1133 with proline.
Molecular consequence: missense variant.
Genome position (GRCh38, 1-based): chr1:158,651,446, C>G on the plus strand (G>C on the coding strand, the complement: SPTA1 is on the minus strand). VCF-style: chr1-158651446-C-G. GRCh37 (hg19) VCF-style: chr1-158621236-C-G.
Other names: p.Arg1133Pro; short protein forms R1133P.
Identifiers: ClinVar variation 292994 (VCV000292994.21), dbSNP rs35733059, ClinGen allele CA1183064.